The following is an entry in ClinVar:

ClinVar aggregate classification (germline): Likely benign. Review status: criteria provided, single submitter (1 of 4 stars). 2 submissions from 2 submitters: Likely benign (1). 1 of the submissions does not count toward it. Last evaluated 2026-01-12.

Conditions:
DYRK1B-related disorder. Also called: DYRK1B-related condition.

Allele frequency attached by ClinVar (database versions not stated): gnomAD 0.00001; gnomAD exomes 0.00004; TOPMed 0.00001.

Submissions (2):

Labcorp Genetics (formerly Invitae), Labcorp
Classification: Likely benign. Last evaluated: 2026-01-12. Review status: criteria provided, single submitter. Criteria: Invitae Variant Classification Sherloc (09022015). Collection method: clinical testing. Allele origin: germline.

PreventionGenetics, part of Exact Sciences
Classification: Likely benign for DYRK1B-related condition. Last evaluated: 2023-11-22. Review status: no assertion criteria provided. Collection method: clinical testing. Allele origin: germline. Not counted in ClinVar's aggregate classification.
Comment: This variant is classified as likely benign based on ACMG/AMP sequence variant interpretation guidelines (Richards et al. 2015 PMID: 25741868, with internal and published modifications).

NM_004714.3(DYRK1B):c.262C>T (p.Leu88=)

Gene: DYRK1B (dual specificity tyrosine phosphorylation regulated kinase 1B; minus strand). Cytogenetic location: 19q13.2.
Variant type: single nucleotide variant.
Coding change: c.262C>T on transcript NM_004714.3 (MANE Select); coding-DNA position 262, C replaced by T.
Protein change: p.Leu88=; no amino-acid change (leucine 88 retained).
Molecular consequence: synonymous variant.
Genome position (GRCh38, 1-based): chr19:39,830,485, G>A on the plus strand (C>T on the coding strand, the complement: DYRK1B is on the minus strand). VCF-style: chr19-39830485-G-A. GRCh37 (hg19) VCF-style: chr19-40321125-G-A.
Other names: c.262C>T (NM_004714.2); c.262C>T, p.Leu88= (NM_006483.3, NM_006484.3).
Identifiers: ClinVar variation 2958747 (VCV002958747.5), dbSNP rs1246709294, ClinGen allele CA507665344.